The following is an entry in ClinVar:

NM_001346249.2(RALGAPA1):c.1951T>C (p.Ser651Pro)

Gene: RALGAPA1 (Ral GTPase activating protein catalytic subunit alpha 1; minus strand). Cytogenetic location: 14q13.2.
Variant type: single nucleotide variant.
Coding change: c.1951T>C on transcript NM_001346249.2 (MANE Select); coding-DNA position 1951, T replaced by C.
Protein change: p.Ser651Pro; replaces serine 651 with proline.
Molecular consequence: missense variant.
Genome position (GRCh38, 1-based): chr14:35,723,180, A>G on the plus strand (T>C on the coding strand, the complement: RALGAPA1 is on the minus strand). VCF-style: chr14-35723180-A-G. GRCh37 (hg19) VCF-style: chr14-36192386-A-G.
Other names: c.1951T>C, p.Ser651Pro (NM_001283043.3, NM_001283044.3, NM_001330075.3 and 7 more transcripts); short protein forms S651P.
Identifiers: ClinVar variation 3312587 (VCV003312587.3).

ClinVar aggregate classification (germline): Uncertain significance. Review status: criteria provided, multiple submitters, no conflicts (2 of 4 stars). 2 submissions from 2 submitters: Uncertain significance (2). Last evaluated 2024-04-24.

Conditions:
Inborn genetic diseases. Identifiers: MedGen C0950123, MeSH D030342.
Neurodevelopmental disorder with hypotonia, neonatal respiratory insufficiency, and thermodysregulation. Identifiers: MedGen C5394091, MONDO:0032921, OMIM 618797.

Submissions (2):

Ambry Genetics
Classification: Uncertain significance for Inborn genetic diseases. Last evaluated: 2024-04-24. Review status: criteria provided, single submitter. Criteria: Ambry Variant Classification Scheme 2023. Collection method: clinical testing. Allele origin: germline.

Juno Genomics, Hangzhou Juno Genomics, Inc
Classification: Uncertain significance for Neurodevelopmental disorder with hypotonia, neonatal respiratory insufficiency, and thermodysregulation. Review status: criteria provided, single submitter. Criteria: ACMG Guidelines, 2015. Collection method: clinical testing. Allele origin: germline.
Comment: Absent from controls (or at extremely low frequency if recessive) in Genome Aggregation Database.;Missense variant in a gene that has a low rate of benign missense variation.;Multiple lines of computational evidence support a deleterious effect on the gene or gene product.